The following is an entry in ClinVar:

NM_000051.4(ATM):c.6992A>C (p.Lys2331Thr)

Genes: ATM (ATM serine/threonine kinase; plus strand), C11orf65 (chromosome 11 open reading frame 65; minus strand). Cytogenetic location: 11q22.3.
Variant type: single nucleotide variant.
Coding change: c.6992A>C on transcript NM_000051.4 (MANE Select); coding-DNA position 6992, A replaced by C.
Protein change: p.Lys2331Thr; replaces lysine 2331 with threonine.
Molecular consequence: missense variant. On other transcripts: intron variant (2).
Genome position (GRCh38, 1-based): chr11:108,327,661, A>C. VCF-style: chr11-108327661-A-C. GRCh37 (hg19) VCF-style: chr11-108198388-A-C.
Other names: c.6992A>C, p.Lys2331Thr (NM_001351834.2); c.641-18590T>G (NM_001330368.2); c.*38+7559T>G (NM_001351110.2); short protein forms K2331T.
Identifiers: ClinVar variation 2642361 (VCV002642361.22), dbSNP rs2547231689, ClinGen allele CA382558609.

ClinVar aggregate classification (germline): Uncertain significance (1 of 4 stars; one submission).

Submission:

CeGaT Center for Human Genetics Tuebingen
Classification: Uncertain significance. Last evaluated: 2022-08-01. Review status: criteria provided, single submitter. Criteria: CeGaT Center For Human Genetics Tuebingen Variant Classification Criteria Version 2. Collection method: clinical testing. Allele origin: germline. Affected: yes. Observed: 1 variant allele.
Comment: ATM: PM2, BP4